The following is an entry in ClinVar:

ClinVar aggregate classification (germline): Pathogenic. Review status: criteria provided, multiple submitters, no conflicts (2 of 4 stars). 2 submissions from 2 submitters: Pathogenic (2). Last evaluated 2022-07-25.

Conditions:
SLC24A5-related disorder. Also called: SLC24A5-related condition.

Submissions (2):

Labcorp Genetics (formerly Invitae), Labcorp
Classification: Pathogenic. Last evaluated: 2022-07-25. Review status: criteria provided, single submitter. Criteria: Invitae Variant Classification Sherloc (09022015). Collection method: clinical testing. Allele origin: germline.
Comment: For these reasons, this variant has been classified as Pathogenic. ClinVar contains an entry for this variant (Variation ID: 1408941). This premature translational stop signal has been observed in individual(s) with oculocutaneous albinism (PMID: 29345414). This variant is not present in population databases (gnomAD no frequency). This sequence change creates a premature translational stop signal (p.Gln7Argfs*61) in the SLC24A5 gene. It is expected to result in an absent or disrupted protein product. Loss-of-function variants in SLC24A5 are known to be pathogenic (PMID: 23985994, 26686029).

Blueprint Genetics
Classification: Pathogenic for SLC24A5-related disorders. Last evaluated: 2021-09-26. Review status: criteria provided, single submitter. Criteria: ACMG Guidelines, 2015. Collection method: clinical testing. Allele origin: germline. Affected: yes. Observed: 3 variant alleles.

Literature cited by the submitters: PubMed 29345414 (cited by Labcorp Genetics (formerly Invitae), Labcorp); PubMed 23985994 (cited by Labcorp Genetics (formerly Invitae), Labcorp); PubMed 26686029 (cited by Labcorp Genetics (formerly Invitae), Labcorp).

NM_205850.3(SLC24A5):c.20_29del (p.Gln7fs)

Gene: SLC24A5 (solute carrier family 24 member 5; plus strand). Cytogenetic location: 15q21.1.
Variant type: Deletion.
Coding change: c.20_29del on transcript NM_205850.3 (MANE Select); coding-DNA positions 20 to 29, 10 bases deleted (AAACATGGGC; older notation c.20_29delAAACATGGGC).
Protein change: p.Gln7fs; shifts the reading frame from glutamine 7.
Molecular consequence: frameshift variant.
Genome position (GRCh38, 1-based): chr15:48,121,064-48,121,073, AAACATGGGC deleted; deleting any 10 consecutive bases within chr15:48,121,063-48,121,073 gives the same sequence; the c. name uses the placement nearest the transcript's 3' end. VCF-style (leftmost placement, unchanged base first): chr15-48121062-CCAAACATGGG-C. GRCh37 (hg19) VCF-style: chr15-48413259-CCAAACATGGG-C.
Other names: short protein forms Q7fs.
Identifiers: ClinVar variation 1408941 (VCV001408941.7), dbSNP rs2140701678, ClinGen allele CA2573150756.